The following is an entry in ClinVar:

ClinVar aggregate classification (germline): Uncertain significance (1 of 4 stars; one submission).

Submission:

GeneDx
Classification: Uncertain significance. Last evaluated: 2025-05-29. Review status: criteria provided, single submitter. Criteria: GeneDx Variant Classification Process June 2021. Collection method: clinical testing. Allele origin: germline. Affected: yes.
Comment: Not observed at significant frequency in large population cohorts (gnomAD); Frameshift variant predicted to result in protein truncation or nonsense mediated decay in a gene or region of a gene for which loss of function is not a well-established mechanism of disease; Has not been previously published as pathogenic or benign to our knowledge

NM_006922.4(SCN3A):c.4473dup (p.Tyr1492fs)

Gene: SCN3A (sodium voltage-gated channel alpha subunit 3; minus strand). Cytogenetic location: 2q24.3.
Variant type: Duplication.
Coding change: c.4473dup on transcript NM_006922.4 (MANE Select); coding-DNA position 4473, one base duplicated (A; older notation c.4473dupA).
Protein change: p.Tyr1492fs; shifts the reading frame from tyrosine 1492.
Molecular consequence: frameshift variant.
Genome position (GRCh38, 1-based): chr2:165,094,437, T duplicated on the plus strand (A on the coding strand, the reverse complement: SCN3A is on the minus strand); the first of 6 consecutive T bases (chr2:165,094,437-165,094,442); duplicating any one gives the same sequence. VCF-style (leftmost placement, unchanged base first): chr2-165094436-A-AT. GRCh37 (hg19) VCF-style: chr2-165950946-A-AT.
Other names: c.4326dup, p.Tyr1443fs (NM_001081676.2, NM_001081677.2); short protein forms Y1443fs, Y1492fs.
Identifiers: ClinVar variation 4532770 (VCV004532770.1).